The following is an entry in ClinVar:

NM_003072.5(SMARCA4):c.4090G>C (p.Glu1364Gln)

Gene: SMARCA4 (SWI/SNF related BAF chromatin remodeling complex subunit ATPase 4; plus strand). Cytogenetic location: 19p13.2.
Variant type: single nucleotide variant.
Coding change: c.4090G>C on transcript NM_003072.5 (MANE Select); coding-DNA position 4090, G replaced by C.
Protein change: p.Glu1364Gln; replaces glutamic acid 1364 with glutamine.
Molecular consequence: missense variant. On other transcripts: non-coding transcript variant (1).
Genome position (GRCh38, 1-based): chr19:11,035,052, G>C. VCF-style: chr19-11035052-G-C. GRCh37 (hg19) VCF-style: chr19-11145728-G-C.
Other names: c.4090G>C, p.Glu1364Gln (NM_001128844.3, NM_001128849.3, NM_001387283.1); c.3991G>C, p.Glu1331Gln (NM_001128845.2, NM_001128846.2, NM_001128847.4 and 3 more transcripts); short protein forms E1364Q, E1331Q.
Identifiers: ClinVar variation 2835275 (VCV002835275.3), dbSNP rs2146701441, ClinGen allele CA404068298.

ClinVar aggregate classification (germline): Uncertain significance (1 of 4 stars; one submission).

Conditions:
Rhabdoid tumor predisposition syndrome 2 (RTPS2). Identifiers: Orphanet 231108, Orphanet 69077, MedGen C2750074, MONDO:0013224, OMIM 613325.

Submission:

Labcorp Genetics (formerly Invitae), Labcorp
Classification: Uncertain significance for Rhabdoid tumor predisposition syndrome 2. Last evaluated: 2023-02-08. Review status: criteria provided, single submitter. Criteria: Invitae Variant Classification Sherloc (09022015). Collection method: clinical testing. Allele origin: germline.
Comment: In summary, the available evidence is currently insufficient to determine the role of this variant in disease. Therefore, it has been classified as a Variant of Uncertain Significance. Advanced modeling of protein sequence and biophysical properties (such as structural, functional, and spatial information, amino acid conservation, physicochemical variation, residue mobility, and thermodynamic stability) performed at Invitae indicates that this missense variant is expected to disrupt SMARCA4 protein function. This variant has not been reported in the literature in individuals affected with SMARCA4-related conditions. This variant is not present in population databases (gnomAD no frequency). This sequence change replaces glutamic acid, which is acidic and polar, with glutamine, which is neutral and polar, at codon 1364 of the SMARCA4 protein (p.Glu1364Gln).